The following is an entry in ClinVar:

ClinVar aggregate classification (germline): Uncertain significance. Review status: criteria provided, multiple submitters, no conflicts (2 of 4 stars). 2 submissions from 2 submitters: Uncertain significance (2). Last evaluated 2025-02-22.

Conditions:
DYRK1B-related disorder. Also called: DYRK1B-related condition.
Inborn genetic diseases. Identifiers: MedGen C0950123, MeSH D030342.

Allele frequency attached by ClinVar (database versions not stated): gnomAD 0.00001; gnomAD exomes 0.00002; TOPMed 0.00002; ExAC 0.00004.

Submissions (2):

Ambry Genetics
Classification: Uncertain significance for Inborn genetic diseases. Last evaluated: 2025-02-22. Review status: criteria provided, single submitter. Criteria: Ambry Variant Classification Scheme 2023. Collection method: clinical testing. Allele origin: germline.

PreventionGenetics, part of Exact Sciences
Classification: Uncertain significance for DYRK1B-related condition. Last evaluated: 2025-02-17. Review status: criteria provided, single submitter. Criteria: ACMG Guidelines, 2015. Collection method: clinical testing. Allele origin: germline.
Comment: The DYRK1B c.1760C>T variant is predicted to result in the amino acid substitution p.Pro587Leu. To our knowledge, this variant has not been reported in the literature. This variant is reported in 0.0089% of alleles in individuals of Latino descent in gnomAD. At this time, the clinical significance of this variant is uncertain due to the absence of conclusive functional and genetic evidence.

NM_004714.3(DYRK1B):c.1760C>T (p.Pro587Leu)

Gene: DYRK1B (dual specificity tyrosine phosphorylation regulated kinase 1B; minus strand). Cytogenetic location: 19q13.2.
Variant type: single nucleotide variant.
Coding change: c.1760C>T on transcript NM_004714.3 (MANE Select); coding-DNA position 1760, C replaced by T.
Protein change: p.Pro587Leu; replaces proline 587 with leucine.
Molecular consequence: missense variant.
Genome position (GRCh38, 1-based): chr19:39,825,845, G>A on the plus strand (C>T on the coding strand, the complement: DYRK1B is on the minus strand). VCF-style: chr19-39825845-G-A. GRCh37 (hg19) VCF-style: chr19-40316485-G-A.
Other names: c.1760C>T (NM_004714.2); c.1640C>T, p.Pro547Leu (NM_006483.3); c.1676C>T, p.Pro559Leu (NM_006484.3); short protein forms P587L, P547L, P559L.
Identifiers: ClinVar variation 2410876 (VCV002410876.5), dbSNP rs780163777, ClinGen allele CA9433925.
Genomic context (GRCh38, chr19:39,825,845, plus strand): 5'-TCAGGAGGCGGGAGGGGTGGACGACCTCCAGTCATCCGAGTCCGGAGGGCTGAGGCAGCC[G>A]GGTGCTGGGGGGCAGGCGCTGGGTGAGGTGGGGAGCAGTCAGCAGGGCCGCCCACCAGGC-3'
Protein context (NP_004705.1, residues 577-597): PPHPAPAPQH[Pro587Leu]AASALRTRMT